The following is an entry in ClinVar:

NM_058246.4(DNAJB6):c.40G>T (p.Ala14Ser)

Gene: DNAJB6 (DnaJ heat shock protein family (Hsp40) member B6; plus strand). Cytogenetic location: 7q36.3.
Variant type: single nucleotide variant.
Coding change: c.40G>T on transcript NM_058246.4 (MANE Select); coding-DNA position 40, G replaced by T.
Protein change: p.Ala14Ser; replaces alanine 14 with serine.
Molecular consequence: missense variant.
Genome position (GRCh38, 1-based): chr7:157,358,612, G>T. VCF-style: chr7-157358612-G-T. GRCh37 (hg19) VCF-style: chr7-157151306-G-T.
Other names: c.40G>T, p.Ala14Ser (NM_001363676.1, NM_005494.3); short protein forms A14S.
Identifiers: ClinVar variation 849625 (VCV000849625.9), dbSNP rs1392744517, ClinGen allele CA370165550.

ClinVar aggregate classification (germline): Uncertain significance (1 of 4 stars; one submission).

Conditions:
Autosomal dominant limb-girdle muscular dystrophy type 1D (DNAJB6) (LGMDD1). Also called: MUSCULAR DYSTROPHY, LIMB-GIRDLE, TYPE 1D; Autosomal dominant limb-girdle muscular dystrophy type 1D; Muscular dystrophy, limb-girdle, autosomal dominant 1; MUSCULAR DYSTROPHY, AUTOSOMAL DOMINANT, WITH RIMMED VACUOLES. Identifiers: Orphanet 34516, MedGen C4721885, MONDO:0021018, OMIM 603511.

Allele frequency attached by ClinVar (database versions not stated): gnomAD exomes below 0.00001; gnomAD 0.00001; TOPMed 0.00005.
gnomAD v4.1: 6 of 1,613,676 alleles (0.00037%); highest among the groups gnomAD compares: Admixed American, 0.0083%; no homozygotes.

Submission:

Labcorp Genetics (formerly Invitae), Labcorp
Classification: Uncertain significance for Autosomal dominant limb-girdle muscular dystrophy type 1D (DNAJB6). Last evaluated: 2025-10-01. Review status: criteria provided, single submitter. Criteria: Invitae Variant Classification Sherloc (09022015). Collection method: clinical testing. Allele origin: germline.
Comment: This sequence change replaces alanine, which is neutral and non-polar, with serine, which is neutral and polar, at codon 14 of the DNAJB6 protein (p.Ala14Ser). This variant is present in population databases (no rsID available, gnomAD 0.003%). This variant has not been reported in the literature in individuals affected with DNAJB6-related conditions. ClinVar contains an entry for this variant (Variation ID: 849625). Invitae Evidence Modeling of protein sequence and biophysical properties (such as structural, functional, and spatial information, amino acid conservation, physicochemical variation, residue mobility, and thermodynamic stability) indicates that this missense variant is not expected to disrupt DNAJB6 protein function with a negative predictive value of 80%. In summary, the available evidence is currently insufficient to determine the role of this variant in disease. Therefore, it has been classified as a Variant of Uncertain Significance.